The following is an entry in ClinVar:

NM_001374675.1(HSF4):c.250G>C (p.Val84Leu)

Gene: HSF4 (heat shock transcription factor 4; plus strand). Cytogenetic location: 16q22.1.
Variant type: single nucleotide variant.
Coding change: c.250G>C on transcript NM_001374675.1 (MANE Select); coding-DNA position 250, G replaced by C.
Protein change: p.Val84Leu; replaces valine 84 with leucine.
Molecular consequence: missense variant.
Genome position (GRCh38, 1-based): chr16:67,165,736, G>C. VCF-style: chr16-67165736-G-C. GRCh37 (hg19) VCF-style: chr16-67199639-G-C.
Other names: c.250G>C, p.Val84Leu (NM_001040667.3, NM_001374674.1, NM_001538.4); c.250G>C (NM_001538.3); short protein forms V84L.
Identifiers: ClinVar variation 1016998 (VCV001016998.9), dbSNP rs747840876, ClinGen allele CA8101767.

ClinVar aggregate classification (germline): Uncertain significance. Review status: criteria provided, multiple submitters, no conflicts (2 of 4 stars). 2 submissions from 2 submitters: Uncertain significance (2). Last evaluated 2024-01-02.

Conditions:
Inborn genetic diseases. Identifiers: MedGen C0950123, MeSH D030342.
Cataract 5 multiple types (CTRCT5). Also called: Lamellar cataract; CATARACT 5, LAMELLAR; CATARACT, MARNER TYPE. Identifiers: Orphanet 91492, MedGen C0266537, MONDO:0007290, OMIM 116800, HP:0007971.

Allele frequency attached by ClinVar (database versions not stated): ExAC 0.00004; gnomAD exomes 0.00005 and 0.00010; gnomAD 0.00007; TOPMed 0.00008.
gnomAD v4.1: 157 of 1,611,820 alleles (0.0097%); highest among the groups gnomAD compares: Non-Finnish European, 0.013%; no homozygotes.

Submissions (2):

Ambry Genetics
Classification: Uncertain significance for Inborn genetic diseases. Last evaluated: 2024-01-02. Review status: criteria provided, single submitter. Criteria: Ambry Variant Classification Scheme 2023. Collection method: clinical testing. Allele origin: germline.

Labcorp Genetics (formerly Invitae), Labcorp
Classification: Uncertain significance for Cataract 5 multiple types. Last evaluated: 2022-02-01. Review status: criteria provided, single submitter. Criteria: Invitae Variant Classification Sherloc (09022015). Collection method: clinical testing. Allele origin: germline.
Comment: In summary, the available evidence is currently insufficient to determine the role of this variant in disease. Therefore, it has been classified as a Variant of Uncertain Significance. Algorithms developed to predict the effect of missense changes on protein structure and function (SIFT, PolyPhen-2, Align-GVGD) all suggest that this variant is likely to be tolerated. ClinVar contains an entry for this variant (Variation ID: 1016998). This variant has not been reported in the literature in individuals affected with HSF4-related conditions. This variant is present in population databases (rs747840876, gnomAD 0.01%). This sequence change replaces valine, which is neutral and non-polar, with leucine, which is neutral and non-polar, at codon 84 of the HSF4 protein (p.Val84Leu).